The following is an entry in ClinVar:

NM_001379500.1(COL18A1):c.799-3C>G

Gene: COL18A1 (collagen type XVIII alpha 1 chain; plus strand). Cytogenetic location: 21q22.3.
Variant type: single nucleotide variant.
Coding change: c.799-3C>G on transcript NM_001379500.1 (MANE Select); 3 bases into the intron before coding-DNA position 799, C replaced by G.
Molecular consequence: intron variant.
Genome position (GRCh38, 1-based): chr21:45,476,348, C>G. VCF-style: chr21-45476348-C-G. GRCh37 (hg19) VCF-style: chr21-46896262-C-G.
Other names: NM_130445.2:c.799-3C>G; c.2044-3C>G (NM_130444.3); c.1339-3C>G (NM_030582.4, NM_030582.3).
Identifiers: ClinVar variation 340206 (VCV000340206.9), dbSNP rs375628545, ClinGen allele CA10065935.
Genomic context (GRCh38, chr21:45,476,348, plus strand): 5'-AAGCAAGTCTCCACCGGGCATCTGCCGGCCGAATAACAGGCCACCTCCCCTCTCGTCCTC[C>G]AGGGCGCGGCCCTAAAACCCAGGCTCCCCGCGCCACCCCCCGTCACCACGCCACCCTTGG-3'

ClinVar aggregate classification (germline): Uncertain significance. Review status: criteria provided, multiple submitters, no conflicts (2 of 4 stars). 3 submissions from 3 submitters: Uncertain significance (3). Last evaluated 2025-01-06.

Conditions:
Knobloch syndrome (KNO). Also called: RETINAL DETACHMENT AND OCCIPITAL ENCEPHALOCELE; Myopia retinal detachment encephalocele. Identifiers: Orphanet 1571, MedGen C1849409, MONDO:0800166.
COL18A1-related disorder. Also called: COL18A1-related condition; COL18A1-related disorders.

Allele frequency attached by ClinVar (database versions not stated): gnomAD 0.00002; TOPMed 0.00003; gnomAD exomes 0.00006; ESP Exome Variant Server 0.00008; ExAC 0.00009.
gnomAD v4.1: 70 of 1,613,876 alleles (0.0043%); highest among the groups gnomAD compares: Non-Finnish European, 0.0056%; no homozygotes.

Submissions (5):

PreventionGenetics, part of Exact Sciences
Classification: Uncertain significance for COL18A1-related condition. Last evaluated: 2025-01-06. Review status: criteria provided, single submitter. Criteria: ACMG Guidelines, 2015. Collection method: clinical testing. Allele origin: germline.
Comment: The COL18A1 c.1339-3C>G variant is predicted to interfere with splicing. This variant is predicted to decrease the strength of the nearby splice acceptor site (SpliceAI, Jaganathan et al. 2019. PubMed ID: 30661751). To our knowledge, this variant has not been reported in the literature. This variant is present in 0.011% of alleles in individuals of European (Non-Finnish) descent in gnomAD. At this time, the clinical significance of this variant is uncertain due to the absence of conclusive functional and genetic evidence.

Labcorp Genetics (formerly Invitae), Labcorp
Classification: Uncertain significance. Last evaluated: 2022-08-31. Review status: criteria provided, single submitter. Criteria: Invitae Variant Classification Sherloc (09022015). Collection method: clinical testing. Allele origin: germline.
Comment: This sequence change falls in intron 5 of the COL18A1 gene. It does not directly change the encoded amino acid sequence of the COL18A1 protein. It affects a nucleotide within the consensus splice site. This variant is present in population databases (rs375628545, gnomAD 0.01%). This variant has not been reported in the literature in individuals affected with COL18A1-related conditions. ClinVar contains an entry for this variant (Variation ID: 340206). Variants that disrupt the consensus splice site are a relatively common cause of aberrant splicing (PMID: 17576681, 9536098). Algorithms developed to predict the effect of sequence changes on RNA splicing suggest that this variant may disrupt the consensus splice site. In summary, the available evidence is currently insufficient to determine the role of this variant in disease. Therefore, it has been classified as a Variant of Uncertain Significance.

Illumina Laboratory Services, Illumina
Classification: Uncertain significance for Knobloch syndrome 1. Last evaluated: 2018-01-13. Review status: criteria provided, single submitter. Criteria: ICSL Variant Classification Criteria 13 December 2019. Collection method: clinical testing. Allele origin: germline.

Dr. Peter K. Rogan Lab, Western University
No classification provided (evidence only). Condition: Colon adenocarcinoma. Review status: no classification provided. Collection method: in vitro. Allele origin: not applicable. Functional consequence: retained intron. Not counted in ClinVar's aggregate classification.

Dr. Peter K. Rogan Lab, Western University
No classification provided (evidence only). Condition: Malignant tumor of esophagus. Review status: no classification provided. Collection method: in vitro. Allele origin: not applicable. Functional consequence: retained intron. Not counted in ClinVar's aggregate classification.

Literature cited by the submitters: PubMed 17576681 (cited by Labcorp Genetics (formerly Invitae), Labcorp); PubMed 9536098 (cited by Labcorp Genetics (formerly Invitae), Labcorp).